The following is an entry in ClinVar:

ClinVar aggregate classification (germline): Likely benign (0 of 4 stars; one submission).

Conditions:
DIP2A-related disorder. Also called: DIP2A-related condition.

Allele frequency attached by ClinVar (database versions not stated): gnomAD exomes 0.00003; ExAC 0.00012; 1000 Genomes Project 30x 0.00031; gnomAD 0.00035; 1000 Genomes Project 0.00040; TOPMed 0.00042; ESP Exome Variant Server 0.00063.
gnomAD v4.1: 103 of 1,613,974 alleles (0.0064%); highest among the groups gnomAD compares: African/African-American, 0.12%; no homozygotes.

Submission:

PreventionGenetics, part of Exact Sciences
Classification: Likely benign for DIP2A-related condition. Last evaluated: 2019-11-11. Review status: no assertion criteria provided. Collection method: clinical testing. Allele origin: germline.
Comment: This variant is classified as likely benign based on ACMG/AMP sequence variant interpretation guidelines (Richards et al. 2015 PMID: 25741868, with internal and published modifications).

NM_015151.4(DIP2A):c.1707+7G>A

Gene: DIP2A (disco interacting protein 2 homolog A; plus strand). Cytogenetic location: 21q22.3.
Variant type: single nucleotide variant.
Coding change: c.1707+7G>A on transcript NM_015151.4 (MANE Select); 7 bases into the intron after coding-DNA position 1707, G replaced by A.
Molecular consequence: intron variant.
Genome position (GRCh38, 1-based): chr21:46,537,295, G>A. VCF-style: chr21-46537295-G-A. GRCh37 (hg19) VCF-style: chr21-47957208-G-A.
Other names: c.1707+7G>A (NM_001353943.2, NM_001410751.1, NM_206889.3 and 2 more transcripts); c.1710+7G>A (NM_001353942.2); c.1695+7G>A (NM_001146116.2); c.1578+7G>A (NM_001146115.2); c.1458+7G>A (NM_001353944.2).
Identifiers: ClinVar variation 3052486 (VCV003052486.2), dbSNP rs202051733, ClinGen allele CA10082069.